The following is an entry in ClinVar:

NM_000245.4(MET):c.2888-28_2888-2del

Gene: MET (MET proto-oncogene, receptor tyrosine kinase; plus strand). Cytogenetic location: 7q31.2.
Variant type: Deletion.
Coding change: c.2888-28_2888-2del on transcript NM_000245.4 (MANE Select); 28 bases into the intron before coding-DNA position 2888 through the canonical splice acceptor site of the intron before coding-DNA position 2888, 27 bases deleted (CAAGCTCTTTCTTTCTCTCTGTTTTAA).
Molecular consequence: splice acceptor variant.
Genome position (GRCh38, 1-based): chr7:116,771,821-116,771,847, CAAGCTCTTTCTTTCTCTCTGTTTTAA deleted; deleting any 27 consecutive bases within chr7:116,771,816-116,771,847 gives the same sequence; the c. name uses the placement nearest the transcript's 3' end. VCF-style (leftmost placement, unchanged base first): chr7-116771815-CTTTAACAAGCTCTTTCTTTCTCTCTGT-C. GRCh37 (hg19) VCF-style: chr7-116411869-CTTTAACAAGCTCTTTCTTTCTCTCTGT-C.
Other names: c.2942-28_2942-2del (NM_001127500.3); c.1598-28_1598-2del (NM_001324402.2).
Identifiers: ClinVar variation 1797928 (VCV001797928.3), dbSNP rs2485777788, ClinGen allele CA2580076355.

ClinVar aggregate classification (germline): Uncertain significance (1 of 4 stars; one submission).

Conditions:
Hereditary cancer-predisposing syndrome. Also called: Tumor predisposition; Hereditary Cancer Syndrome; Hereditary neoplastic syndrome; Neoplastic Syndromes, Hereditary. Identifiers: Orphanet 140162, MedGen C0027672, MeSH D009386, MONDO:0015356.

Submission:

Ambry Genetics
Classification: Uncertain significance for Hereditary cancer-predisposing syndrome. Last evaluated: 2026-02-18. Review status: criteria provided, single submitter. Criteria: Ambry Variant Classification Scheme 2023. Collection method: clinical testing. Allele origin: germline.
Comment: The c.2942-28_2942-2del27 intronic variant, located in intron 12 of the MET gene, results from a deletion of 27 nucleotides within intron 12 of the MET gene. This nucleotide region is well conserved in available vertebrate species. In silico splice site analysis predicts that this alteration will weaken the native splice acceptor site. Variants that disrupt the canonical splice site are expected to cause aberrant splicing, resulting in an abnormal protein or a transcript that is subject to nonsense-mediated mRNA decay. However, loss of function has not been established as a mechanism of disease. Based on the available evidence, the clinical significance of this variant remains unclear.